The following is an entry in ClinVar:

NM_000426.4(LAMA2):c.6573+317C>T

Gene: LAMA2 (laminin subunit alpha 2; plus strand). Cytogenetic location: 6q22.33.
Variant type: single nucleotide variant.
Coding change: c.6573+317C>T on transcript NM_000426.4 (MANE Select); 317 bases into the intron after coding-DNA position 6573, C replaced by T.
Molecular consequence: intron variant.
Genome position (GRCh38, 1-based): chr6:129,453,448, C>T. VCF-style: chr6-129453448-C-T. GRCh37 (hg19) VCF-style: chr6-129774593-C-T.
Other names: c.6573+317C>T (NM_001079823.2).
Identifiers: ClinVar variation 684026 (VCV000684026.1), dbSNP rs9375629, ClinGen allele CA16279934.
Genomic context (GRCh38, chr6:129,453,448, plus strand): 5'-TATACTTTCAGATCCAGTGATTTAAGAATGCTAATGAGAATAAAGCTATTTTATTTACTT[C>T]TTATTTATTTATCTTATTTACTGTTCAAACTAAATTACAATAAACTCTTCCGTTAATGAA-3'

ClinVar aggregate classification (germline): Benign (1 of 4 stars; one submission).

Allele frequency attached by ClinVar (database versions not stated): gnomAD 0.14752 and 0.14849; TOPMed 0.15102; 1000 Genomes Project 30x 0.17801; 1000 Genomes Project 0.17831.
gnomAD v4.1: 22,573 of 151,364 alleles (15%); highest among the groups gnomAD compares: East Asian, 21%; 1,771 homozygotes.

Submission:

GeneDx
Classification: Benign. Last evaluated: 2018-06-16. Review status: criteria provided, single submitter. Criteria: GeneDx Variant Classification (06012015). Collection method: clinical testing. Allele origin: germline. Affected: yes.
Comment: This variant is considered likely benign or benign based on one or more of the following criteria: it is a conservative change, it occurs at a poorly conserved position in the protein, it is predicted to be benign by multiple in silico algorithms, and/or has population frequency not consistent with disease.